The following is an entry in ClinVar:

NM_006914.4(RORB):c.566del (p.Val189fs)

Gene: RORB (RAR related orphan receptor B; plus strand). Cytogenetic location: 9q21.13.
Variant type: Deletion.
Coding change: c.566del on transcript NM_006914.4 (MANE Select); coding-DNA position 566, one base deleted (T; older notation c.566delT).
Protein change: p.Val189fs; shifts the reading frame from valine 189.
Molecular consequence: frameshift variant.
Genome position (GRCh38, 1-based): chr9:74,642,744, T deleted. VCF-style (leftmost placement, unchanged base first): chr9-74642743-GT-G. GRCh37 (hg19) VCF-style: chr9-77257659-GT-G.
Other names: c.599del, p.Val200fs (NM_001365023.1); short protein forms V189fs, V200fs.
Identifiers: ClinVar variation 2662614 (VCV002662614.1), dbSNP rs2489584567, ClinGen allele CA2695201589.
Genomic context (GRCh38, chr9:74,642,743, plus strand): 5'-GGACTTGACATGACTGGAATCAAACAGATAAAGCAAGAACCTATCTATGACCTCACATCC[GT>G]ACCCAACTTGTTTACCTATAGCTCTTTCAACAATGGGCAGTTAGCACCAGGGATAACCAT-3'

ClinVar aggregate classification (germline): Pathogenic (1 of 4 stars; one submission).

Submission:

GeneDx
Classification: Pathogenic. Last evaluated: 2023-04-13. Review status: criteria provided, single submitter. Criteria: GeneDx Variant Classification Process June 2021. Collection method: clinical testing. Allele origin: germline. Affected: yes.
Comment: Frameshift variant predicted to result in protein truncation or nonsense mediated decay in a gene for which loss of function is a known mechanism of disease; Not observed at significant frequency in large population cohorts (gnomAD); Has not been previously published as pathogenic or benign to our knowledge